The following is an entry in ClinVar:

ClinVar aggregate classification (germline): Uncertain significance (1 of 4 stars; one submission).

Conditions:
Bardet-Biedl syndrome (BBS). Identifiers: Orphanet 110, MedGen C0752166, MONDO:0015229.

Submission:

Labcorp Genetics (formerly Invitae), Labcorp
Classification: Uncertain significance for Bardet-Biedl syndrome. Last evaluated: 2022-02-11. Review status: criteria provided, single submitter. Criteria: Invitae Variant Classification Sherloc (09022015). Collection method: clinical testing. Allele origin: germline.
Comment: This sequence change replaces aspartic acid, which is acidic and polar, with asparagine, which is neutral and polar, at codon 303 of the BBS4 protein (p.Asp303Asn). Information on the frequency of this variant in the gnomAD database is not available, as this variant may be reported differently in the database. This variant has not been reported in the literature in individuals affected with BBS4-related conditions. Experimental studies and prediction algorithms are not available or were not evaluated, and the functional significance of this variant is currently unknown. In summary, the available evidence is currently insufficient to determine the role of this variant in disease. Therefore, it has been classified as a Variant of Uncertain Significance.

NM_033028.5(BBS4):c.906_907inv (p.Asp303Asn)

Gene: BBS4 (Bardet-Biedl syndrome 4; plus strand). Cytogenetic location: 15q24.1.
Variant type: Inversion.
Coding change: c.906_907inv on transcript NM_033028.5 (MANE Select).
Protein change: p.Asp303Asn; replaces aspartic acid 303 with asparagine.
Molecular consequence: missense variant. On other transcripts: non-coding transcript variant (2).
Genome position: GRCh38 VCF-style: chr15-72731596-TG-CA. GRCh37 (hg19) VCF-style: chr15-73023937-TG-CA.
Other names: c.390_391inv, p.Asp131Asn (NM_001252678.2); c.837_838inv, p.Asp280Asn (NM_001320665.2); short protein forms D280N, D131N, D303N.
Identifiers: ClinVar variation 2194105 (VCV002194105.1), ClinGen allele CA2580089995.
Genomic context (GRCh38, chr15:72,731,596, plus strand): 5'-TGCCCCTTCTCTCTCATAGGCCATCAGCTGCCTGAAACGAGCCAACTACTTGGCACCCTT[TG>CA]ATTGGAAGATTCTGTATAATTTGGGCCTTGTCCATTTGACCATGCAGCAGTATGCATCAG-3'
Protein context (NP_149017.2, residues 293-313): LKRANYLAPF[Asp303Asn]WKILYNLGLV